The following is an entry in ClinVar:

ClinVar aggregate classification (germline): Uncertain significance (1 of 4 stars; one submission).

Conditions:
Familial cold autoinflammatory syndrome 4 (FCAS4). Identifiers: Orphanet 47045, Orphanet 576349, MedGen C4015276, MONDO:0014498, OMIM 616115.

Submission:

Laboratorio de Genetica e Diagnostico Molecular, Hospital Israelita Albert Einstein
Classification: Uncertain significance for Familial cold autoinflammatory syndrome 4. Last evaluated: 2022-12-15. Review status: criteria provided, single submitter. Criteria: ACMG Guidelines, 2015. Collection method: clinical testing. Allele origin: germline. Affected: yes. Observed: 1 variant allele.
Comment: ACMG classification criteria: PM2 moderated

NM_001199138.2(NLRC4):c.1554T>C (p.Leu518=)

Gene: NLRC4 (NLR family CARD domain containing 4; minus strand). Cytogenetic location: 2p22.3.
Variant type: single nucleotide variant.
Coding change: c.1554T>C on transcript NM_001199138.2 (MANE Select); coding-DNA position 1554, T replaced by C.
Protein change: p.Leu518=; no amino-acid change (leucine 518 retained).
Molecular consequence: synonymous variant. On other transcripts: intron variant (1).
Genome position (GRCh38, 1-based): chr2:32,250,310, A>G on the plus strand (T>C on the coding strand, the complement: NLRC4 is on the minus strand). VCF-style: chr2-32250310-A-G. GRCh37 (hg19) VCF-style: chr2-32475379-A-G.
Other names: c.1554T>C, p.Leu518= (NM_001199139.2, NM_021209.5); c.262+2109T>C (NM_001302504.1).
Identifiers: ClinVar variation 2431568 (VCV002431568.1), dbSNP rs2466759146, ClinGen allele CA425620996.
Genomic context (GRCh38, chr2:32,250,310, plus strand): 5'-TTTCACACTTTGCAAAGATTCCTGTCTCCAGAGAGGCCTCTTGGCGATGGAAAGTCCGAG[A>G]AGGCAGCCGTGTTGATACACTGCTGCGAGGTGCTTCATAACAGCCCTGGTGGCTTCCACA-3'
Protein context (NP_001186067.1, residues 508-528): HLAAVYQHGC[Leu518=]LGLSIAKRPL